The following is an entry in ClinVar:

NM_203446.3(SYNJ1):c.2405C>G (p.Pro802Arg)

Gene: SYNJ1 (synaptojanin 1; minus strand). Cytogenetic location: 21q22.11.
Variant type: single nucleotide variant.
Coding change: c.2405C>G on transcript NM_203446.3 (MANE Select); coding-DNA position 2405, C replaced by G.
Protein change: p.Pro802Arg; replaces proline 802 with arginine.
Molecular consequence: missense variant.
Genome position (GRCh38, 1-based): chr21:32,657,772, G>C on the plus strand (C>G on the coding strand, the complement: SYNJ1 is on the minus strand). VCF-style: chr21-32657772-G-C. GRCh37 (hg19) VCF-style: chr21-34030082-G-C.
Other names: c.2405C>G, p.Pro802Arg (NM_001160302.2); c.2390C>G, p.Pro797Arg (NM_001160306.2); c.2522C>G, p.Pro841Arg (NM_003895.4); short protein forms P802R, P841R, P797R.
Identifiers: ClinVar variation 2168679 (VCV002168679.3), dbSNP rs2040515944, ClinGen allele CA410075282.

ClinVar aggregate classification (germline): Uncertain significance (1 of 4 stars; one submission).

Conditions:
Developmental and epileptic encephalopathy, 53. Also called: Epileptic encephalopathy, early infantile, 53. Identifiers: MedGen C4479313, MONDO:0033362, OMIM 617389.
Early-onset Parkinson disease 20. Also called: PARKINSON DISEASE 20, AUTOSOMAL RECESSIVE EARLY-ONSET. Identifiers: Orphanet 391411, MedGen C3809824, MONDO:0014233, OMIM 615530.

gnomAD v4.1: 1 of 1,614,038 alleles (0.000062%); highest among the groups gnomAD compares: African/African-American, 0.0013%; no homozygotes.

Submission:

Labcorp Genetics (formerly Invitae), Labcorp
Classification: Uncertain significance for Developmental and epileptic encephalopathy, 53; Early-onset Parkinson disease 20. Last evaluated: 2022-04-22. Review status: criteria provided, single submitter. Criteria: Invitae Variant Classification Sherloc (09022015). Collection method: clinical testing. Allele origin: germline.
Comment: In summary, the available evidence is currently insufficient to determine the role of this variant in disease. Therefore, it has been classified as a Variant of Uncertain Significance. Algorithms developed to predict the effect of missense changes on protein structure and function (SIFT, PolyPhen-2, Align-GVGD) all suggest that this variant is likely to be disruptive. This variant has not been reported in the literature in individuals affected with SYNJ1-related conditions. This variant is not present in population databases (gnomAD no frequency). This sequence change replaces proline, which is neutral and non-polar, with arginine, which is basic and polar, at codon 841 of the SYNJ1 protein (p.Pro841Arg).